The following is an entry in ClinVar:

NM_000059.4(BRCA2):c.3071_3074del (p.Ile1024fs)

Gene: BRCA2 (BRCA2 DNA repair associated; plus strand). Cytogenetic location: 13q13.1.
Variant type: Deletion.
Coding change: c.3071_3074del on transcript NM_000059.4 (MANE Select); coding-DNA positions 3071 to 3074, 4 bases deleted (TTAA; older notation c.3071_3074delTTAA).
Protein change: p.Ile1024fs; shifts the reading frame from isoleucine 1024.
Molecular consequence: frameshift variant.
Genome position (GRCh38, 1-based): chr13:32,337,426-32,337,429, TTAA deleted; deleting any 4 consecutive bases within chr13:32,337,425-32,337,429 gives the same sequence; the c. name uses the placement nearest the transcript's 3' end. VCF-style (leftmost placement, unchanged base first): chr13-32337424-CATTA-C. GRCh37 (hg19) VCF-style: chr13-32911561-CATTA-C.
Other names: c.3071_3074delTTAA (NM_000059.3); short protein forms I1024fs.
Identifiers: ClinVar variation 1420563 (VCV001420563.7), dbSNP rs2137492872, ClinGen allele CA2573149266.

ClinVar aggregate classification (germline): Pathogenic. Review status: criteria provided, multiple submitters, no conflicts (2 of 4 stars). 2 submissions from 2 submitters: Pathogenic (2). Last evaluated 2026-09-10.

Conditions:
Hereditary cancer-predisposing syndrome. Also called: Hereditary Cancer Syndrome; Neoplastic Syndromes, Hereditary; Hereditary neoplastic syndrome; Tumor predisposition. Identifiers: Orphanet 140162, MedGen C0027672, MeSH D009386, MONDO:0015356.
Hereditary breast ovarian cancer syndrome. Also called: Breast and ovarian cancer; Hereditary breast and ovarian cancer syndrome; Hereditary breast and ovarian cancer syndrome (HBOC); Hereditary breast and ovarian cancer; Hereditary breast and/or ovarian cancer syndrome; BRCA1- and BRCA2-Associated Hereditary Breast and Ovarian Cancer. Identifiers: Orphanet 145, MedGen C0677776, MeSH D061325, MONDO:0003582. Disease mechanism: loss of function.

Submissions (2):

Ambry Genetics
Classification: Pathogenic for Hereditary cancer-predisposing syndrome. Last evaluated: 2026-09-10. Review status: criteria provided, single submitter. Criteria: Ambry Variant Classification Scheme 2023. Collection method: clinical testing. Allele origin: germline.
Comment: The c.3071_3074delTTAA pathogenic mutation, located in coding exon 10 of the BRCA2 gene, results from a deletion of 4 nucleotides at nucleotide positions 3071 to 3074, causing a translational frameshift with a predicted alternate stop codon (p.I1024Rfs*18). This variant is considered to be rare based on population cohorts in the Genome Aggregation Database (gnomAD). This alteration is expected to result in loss of function by premature protein truncation or nonsense-mediated mRNA decay. As such, this alteration is interpreted as a disease-causing mutation.

Labcorp Genetics (formerly Invitae), Labcorp
Classification: Pathogenic for Hereditary breast ovarian cancer syndrome. Last evaluated: 2021-11-14. Review status: criteria provided, single submitter. Criteria: Invitae Variant Classification Sherloc (09022015). Collection method: clinical testing. Allele origin: germline.
Comment: For these reasons, this variant has been classified as Pathogenic. This variant has not been reported in the literature in individuals affected with BRCA2-related conditions. This variant is not present in population databases (gnomAD no frequency). This sequence change creates a premature translational stop signal (p.Ile1024Argfs*18) in the BRCA2 gene. It is expected to result in an absent or disrupted protein product. Loss-of-function variants in BRCA2 are known to be pathogenic (PMID: 20104584).

Literature cited by the submitters: PubMed 20104584 (cited by Labcorp Genetics (formerly Invitae), Labcorp).